The following is an entry in ClinVar:

ClinVar aggregate classification (germline): Conflicting classifications of pathogenicity. Review status: criteria provided, conflicting classifications (1 of 4 stars). 2 submissions from 2 submitters: Likely pathogenic (1); Uncertain significance (1). Last evaluated 2022-07-13.

Allele frequency attached by ClinVar (database versions not stated): gnomAD exomes below 0.00001 and 0.00001; TOPMed 0.00001.

Submissions (2):

GeneDx
Classification: Uncertain significance. Last evaluated: 2022-07-13. Review status: criteria provided, single submitter. Criteria: GeneDx Variant Classification Process June 2021. Collection method: clinical testing. Allele origin: germline. Affected: yes.
Comment: Canonical splice site variant in a gene for which loss-of-function is not a known mechanism of disease; Has not been previously published as pathogenic or benign to our knowledge

Labcorp Genetics (formerly Invitae), Labcorp
Classification: Likely pathogenic. Last evaluated: 2021-12-09. Review status: criteria provided, single submitter. Criteria: Invitae Variant Classification Sherloc (09022015). Collection method: clinical testing. Allele origin: germline.
Comment: This sequence change affects an acceptor splice site in intron 17 of the COL4A2 gene. It is expected to disrupt RNA splicing. Variants that disrupt the donor or acceptor splice site typically lead to a loss of protein function (PMID: 16199547), and loss-of-function variants in COL4A2 are known to be pathogenic (PMID: 22333902, 30315939). This variant is present in population databases (no rsID available, gnomAD 0.006%). This variant has not been reported in the literature in individuals affected with COL4A2-related conditions. ClinVar contains an entry for this variant (Variation ID: 853489). Algorithms developed to predict the effect of sequence changes on RNA splicing suggest that this variant may disrupt the consensus splice site. In summary, the currently available evidence indicates that the variant is pathogenic, but additional data are needed to prove that conclusively. Therefore, this variant has been classified as Likely Pathogenic.

Literature cited by the submitters: PubMed 16199547 (cited by Labcorp Genetics (formerly Invitae), Labcorp); PubMed 22333902 (cited by Labcorp Genetics (formerly Invitae), Labcorp); PubMed 30315939 (cited by Labcorp Genetics (formerly Invitae), Labcorp).

NM_001846.4(COL4A2):c.1012-1G>A

Gene: COL4A2 (collagen type IV alpha 2 chain; plus strand). Cytogenetic location: 13q34.
Variant type: single nucleotide variant.
Coding change: c.1012-1G>A on transcript NM_001846.4 (MANE Select); the canonical splice acceptor site of the intron before coding-DNA position 1012, G replaced by A.
Molecular consequence: splice acceptor variant.
Genome position (GRCh38, 1-based): chr13:110,446,797, G>A. VCF-style: chr13-110446797-G-A. GRCh37 (hg19) VCF-style: chr13-111099144-G-A.
Identifiers: ClinVar variation 853489 (VCV000853489.5), dbSNP rs1224451609, ClinGen allele CA388733300.